The following is an entry in ClinVar:

ClinVar aggregate classification (germline): Uncertain significance (1 of 4 stars; one submission).

Conditions:
MOGS-congenital disorder of glycosylation. Also called: MOGS-CDG; GLUCOSIDASE I DEFICIENCY; CDG IIb; CDG 2B. Identifiers: Orphanet 79330, MedGen C1853736, MONDO:0011629, OMIM 606056.

Allele frequency attached by ClinVar (database versions not stated): gnomAD exomes below 0.00001; TOPMed 0.00003.
gnomAD v4.1: 1 of 1,614,120 alleles (0.000062%); highest among the groups gnomAD compares: Non-Finnish European, 0.000085%; no homozygotes.

Submission:

Labcorp Genetics (formerly Invitae), Labcorp
Classification: Uncertain significance for MOGS-congenital disorder of glycosylation. Last evaluated: 2025-11-17. Review status: criteria provided, single submitter. Criteria: Invitae Variant Classification Sherloc (09022015). Collection method: clinical testing. Allele origin: germline.
Comment: This sequence change replaces glycine, which is neutral and non-polar, with serine, which is neutral and polar, at codon 178 of the MOGS protein (p.Gly178Ser). This variant is present in population databases (no rsID available, gnomAD 0.0009%). This variant has not been reported in the literature in individuals affected with MOGS-related conditions. ClinVar contains an entry for this variant (Variation ID: 843379). Invitae Evidence Modeling of protein sequence and biophysical properties (such as structural, functional, and spatial information, amino acid conservation, physicochemical variation, residue mobility, and thermodynamic stability) indicates that this missense variant is not expected to disrupt MOGS protein function with a negative predictive value of 80%. In summary, the available evidence is currently insufficient to determine the role of this variant in disease. Therefore, it has been classified as a Variant of Uncertain Significance.

NM_006302.3(MOGS):c.532G>A (p.Gly178Ser)

Gene: MOGS (mannosyl-oligosaccharide glucosidase; minus strand). Cytogenetic location: 2p13.1.
Variant type: single nucleotide variant.
Coding change: c.532G>A on transcript NM_006302.3 (MANE Select); coding-DNA position 532, G replaced by A.
Protein change: p.Gly178Ser; replaces glycine 178 with serine.
Molecular consequence: missense variant.
Genome position (GRCh38, 1-based): chr2:74,464,543, C>T on the plus strand (G>A on the coding strand, the complement: MOGS is on the minus strand). VCF-style: chr2-74464543-C-T. GRCh37 (hg19) VCF-style: chr2-74691670-C-T.
Other names: c.214G>A, p.Gly72Ser (NM_001146158.2); short protein forms G72S, G178S.
Identifiers: ClinVar variation 843379 (VCV000843379.9), dbSNP rs1214300593, ClinGen allele CA347380840.